The following is an entry in ClinVar:

NM_004006.3(DMD):c.1053_1065del (p.Leu352fs)

Gene: DMD (dystrophin; minus strand). Cytogenetic location: Xp21.1.
Variant type: Deletion.
Coding change: c.1053_1065del on transcript NM_004006.3 (MANE Select); coding-DNA positions 1053 to 1065, 13 bases deleted (ATTATCGTGGCTT).
Protein change: p.Leu352fs; shifts the reading frame from leucine 352.
Molecular consequence: frameshift variant.
Genome position (GRCh38, 1-based): chrX:32,645,048-32,645,060, AAGCCACGATAAT deleted on the plus strand (ATTATCGTGGCTT on the coding strand, the reverse complement: DMD is on the minus strand); deleting any 13 consecutive bases within chrX:32,645,048-32,645,061 gives the same sequence; the c. name uses the placement nearest the transcript's 3' end. VCF-style (leftmost placement, unchanged base first): chrX-32645047-GAAGCCACGATAAT-G. GRCh37 (hg19) VCF-style: chrX-32663164-GAAGCCACGATAAT-G.
Other names: c.1029_1041del, p.Leu344fs (NM_000109.4); c.1041_1053del, p.Leu348fs (NM_004009.3); c.684_696del, p.Leu229fs (NM_004010.3); short protein forms L229fs, L344fs, L348fs, L352fs.
Identifiers: ClinVar variation 2749141 (VCV002749141.3), dbSNP rs2519653280, ClinGen allele CA2697553072.

ClinVar aggregate classification (germline): Pathogenic (1 of 4 stars; one submission).

Conditions:
Duchenne muscular dystrophy (DMD). Also called: MUSCULAR DYSTROPHY, PSEUDOHYPERTROPHIC PROGRESSIVE, DUCHENNE TYPE; Duchenne Muscular Dystrophy (DMD). Identifiers: Orphanet 98896, MedGen C0013264, MONDO:0010679, OMIM 310200.

Submission:

Labcorp Genetics (formerly Invitae), Labcorp
Classification: Pathogenic for Duchenne muscular dystrophy. Last evaluated: 2023-08-01. Review status: criteria provided, single submitter. Criteria: Invitae Variant Classification Sherloc (09022015). Collection method: clinical testing. Allele origin: germline.
Comment: For these reasons, this variant has been classified as Pathogenic. This variant has not been reported in the literature in individuals affected with DMD-related conditions. This sequence change creates a premature translational stop signal (p.Leu352Phefs*20) in the DMD gene. It is expected to result in an absent or disrupted protein product. Loss-of-function variants in DMD are known to be pathogenic (PMID: 16770791, 25007885). This variant is not present in population databases (gnomAD no frequency).

Literature cited by the submitters: PubMed 16770791; PubMed 25007885.